The following is an entry in ClinVar:

ClinVar aggregate classification (germline): Uncertain significance (1 of 4 stars; one submission).

Submission:

Labcorp Genetics (formerly Invitae), Labcorp
Classification: Uncertain significance. Last evaluated: 2022-12-02. Review status: criteria provided, single submitter. Criteria: Invitae Variant Classification Sherloc (09022015). Collection method: clinical testing. Allele origin: germline.
Comment: This variant is not present in population databases (gnomAD no frequency). In summary, the available evidence is currently insufficient to determine the role of this variant in disease. Therefore, it has been classified as a Variant of Uncertain Significance. Advanced modeling of protein sequence and biophysical properties (such as structural, functional, and spatial information, amino acid conservation, physicochemical variation, residue mobility, and thermodynamic stability) performed at Invitae indicates that this missense variant is not expected to disrupt POLE protein function. ClinVar contains an entry for this variant (Variation ID: 848145). This variant has not been reported in the literature in individuals affected with POLE-related conditions. This sequence change replaces glutamine, which is neutral and polar, with glutamic acid, which is acidic and polar, at codon 980 of the POLE protein (p.Gln980Glu).

NM_006231.4(POLE):c.2938C>G (p.Gln980Glu)

Gene: POLE (DNA polymerase epsilon, catalytic subunit; minus strand). Cytogenetic location: 12q24.33.
Variant type: single nucleotide variant.
Coding change: c.2938C>G on transcript NM_006231.4 (MANE Select); coding-DNA position 2938, C replaced by G.
Protein change: p.Gln980Glu; replaces glutamine 980 with glutamic acid.
Molecular consequence: missense variant.
Genome position (GRCh38, 1-based): chr12:132,661,091, G>C on the plus strand (C>G on the coding strand, the complement: POLE is on the minus strand). VCF-style: chr12-132661091-G-C. GRCh37 (hg19) VCF-style: chr12-133237677-G-C.
Other names: short protein forms Q980E.
Identifiers: ClinVar variation 848145 (VCV000848145.9), dbSNP rs2042669272, ClinGen allele CA387392600.